The following is an entry in ClinVar:

NM_001378615.1(CC2D2A):c.3954dup (p.Asn1319fs)

Genes: CC2D2A (coiled-coil and C2 domain containing 2A; plus strand), FBXL5 (F-box and leucine rich repeat protein 5; minus strand). Cytogenetic location: 4p15.32.
Variant type: Duplication.
Coding change: c.3954dup on transcript NM_001378615.1 (MANE Select); coding-DNA position 3954, one base duplicated (C; older notation c.3954dupC).
Protein change: p.Asn1319fs; shifts the reading frame from asparagine 1319.
Molecular consequence: frameshift variant.
Genome position (GRCh38, 1-based): chr4:15,580,150, C duplicated; the last of 4 consecutive C bases (chr4:15,580,147-15,580,150); duplicating any one gives the same sequence. VCF-style (leftmost placement, unchanged base first): chr4-15580146-A-AC. GRCh37 (hg19) VCF-style: chr4-15581769-A-AC.
Other names: c.3954dup, p.Asn1319fs (NM_001080522.2); c.3807dup, p.Asn1270fs (NM_001378617.1); short protein forms N1270fs, N1319fs.
Identifiers: ClinVar variation 5014469 (VCV005014469.1).

ClinVar aggregate classification (germline): Pathogenic (1 of 4 stars; one submission).

Conditions:
Joubert syndrome and related disorders. Identifiers: Orphanet 140874, MedGen C5679612, MONDO:0015369.

Submission:

Myriad Genetics, Inc.
Classification: Pathogenic for Joubert syndrome and related disorders. Last evaluated: 2025-05-18. Review status: criteria provided, single submitter. Criteria: Myriad Autosomal Dominant, Autosomal Recessive and X-Linked Classification Criteria (2023). Collection method: clinical testing. Allele origin: unknown.
Comment: NM_001080522.2(CC2D2A):c.3954dupC(N1319Qfs*2) is expected to be pathogenic in the context of CC2D2A-related disorders. This variant is predicted to lead to an abnormal or absent protein product due to the creation of a premature termination codon in CC2D2A, a gene where loss-of-function variants are known to be pathogenic. Please note: this variant was assessed in the context of healthy population screening.